The following is an entry in ClinVar:

ClinVar aggregate classification (germline): Benign/Likely benign. Review status: criteria provided, multiple submitters, no conflicts (2 of 4 stars). 4 submissions from 4 submitters: Benign (3); Likely benign (1). Last evaluated 2026-02-03.

Allele frequency attached by ClinVar (database versions not stated): 1000 Genomes Project 0.00040; 1000 Genomes Project 30x 0.00047; gnomAD 0.00113 and 0.00114; ESP Exome Variant Server 0.00123; TOPMed 0.00126; gnomAD exomes 0.00137 and 0.00181; ExAC 0.00142.

Submissions (4):

Labcorp Genetics (formerly Invitae), Labcorp
Classification: Benign. Last evaluated: 2026-02-03. Review status: criteria provided, single submitter. Criteria: Invitae Variant Classification Sherloc (09022015). Collection method: clinical testing. Allele origin: germline.

CeGaT Center for Human Genetics Tuebingen
Classification: Likely benign. Last evaluated: 2025-12-01. Review status: criteria provided, single submitter. Criteria: CeGaT Center For Human Genetics Tuebingen Variant Classification Criteria Version 2. Collection method: clinical testing. Allele origin: germline. Affected: yes. Observed: 3 variant alleles.
Comment: PDP1: BP4, BP7

GeneDx
Classification: Benign. Last evaluated: 2013-07-22. Review status: criteria provided, single submitter. Criteria: GeneDx Variant Classification (06012015). Collection method: clinical testing. Allele origin: germline. Affected: yes.
Comment: This variant is considered likely benign or benign based on one or more of the following criteria: it is a conservative change, it occurs at a poorly conserved position in the protein, it is predicted to be benign by multiple in silico algorithms, and/or has population frequency not consistent with disease.

Breakthrough Genomics
Classification: Benign. Review status: criteria provided, single submitter. Criteria: ACMG Guidelines, 2015. Collection method: not provided. Allele origin: germline. Inheritance: Autosomal recessive inheritance. Affected: yes.

NM_018444.4(PDP1):c.906C>T (p.Asp302=)

Gene: PDP1 (pyruvate dehydrogenase phosphatase catalytic subunit 1; plus strand). Cytogenetic location: 8q22.1.
Variant type: single nucleotide variant.
Coding change: c.906C>T on transcript NM_018444.4 (MANE Select); coding-DNA position 906, C replaced by T.
Protein change: p.Asp302=; no amino-acid change (aspartic acid 302 retained).
Molecular consequence: synonymous variant.
Genome position (GRCh38, 1-based): chr8:93,922,965, C>T. VCF-style: chr8-93922965-C-T. GRCh37 (hg19) VCF-style: chr8-94935193-C-T.
Other names: p.D361D:GAC>GAT; p.D302D:GAC>GAT; c.981C>T, p.Asp327= (NM_001161779.2, NM_001161780.2); c.906C>T, p.Asp302= (NM_001161781.2).
Identifiers: ClinVar variation 138679 (VCV000138679.35), dbSNP rs138488258, ClinGen allele CA292760.